The following is an entry in ClinVar:

NM_006735.4(HOXA2):c.1005G>A (p.Gln335=)

Gene: HOXA2 (homeobox A2; minus strand). Cytogenetic location: 7p15.2.
Variant type: single nucleotide variant.
Coding change: c.1005G>A on transcript NM_006735.4 (MANE Select); coding-DNA position 1005, G replaced by A.
Protein change: p.Gln335=; no amino-acid change (glutamine 335 retained).
Molecular consequence: synonymous variant.
Genome position (GRCh38, 1-based): chr7:27,100,852, C>T on the plus strand (G>A on the coding strand, the complement: HOXA2 is on the minus strand). VCF-style: chr7-27100852-C-T. GRCh37 (hg19) VCF-style: chr7-27140471-C-T.
Identifiers: ClinVar variation 359979 (VCV000359979.7), dbSNP rs779536985, ClinGen allele CA4196091.

ClinVar aggregate classification (germline): Conflicting classifications of pathogenicity. Review status: criteria provided, conflicting classifications (1 of 4 stars). 3 submissions from 3 submitters: Uncertain significance (1); Likely benign (1). 1 of the submissions does not count toward it. Last evaluated 2026-05-16.

Conditions:
HOXA2-related disorder. Also called: HOXA2-related condition.
Bilateral microtia-deafness-cleft palate syndrome. Identifiers: Orphanet 140963, MedGen C2676772, MONDO:0012854, OMIM 612290.

Allele frequency attached by ClinVar (database versions not stated): gnomAD 0.00009; ExAC 0.00012; gnomAD exomes 0.00013 and 0.00023; TOPMed 0.00014.

Submissions (3):

PreventionGenetics, part of Exact Sciences
Classification: Likely benign for HOXA2-related condition. Last evaluated: 2026-05-16. Review status: criteria provided, single submitter. Criteria: ACMG Guidelines, 2015. Collection method: clinical testing. Allele origin: germline.
Comment: This variant is classified as likely benign based on ACMG/AMP sequence variant interpretation guidelines (Richards et al. 2015 PMID: 25741868, with internal and published modifications).

Illumina Laboratory Services, Illumina
Classification: Uncertain significance for Bilateral microtia-deafness-cleft palate syndrome. Last evaluated: 2018-01-13. Review status: criteria provided, single submitter. Criteria: ICSL Variant Classification Criteria 13 December 2019. Collection method: clinical testing. Allele origin: germline.

Department of Pathology and Laboratory Medicine, Sinai Health System
Classification: Uncertain significance. Review status: no assertion criteria provided. Collection method: clinical testing. Allele origin: unknown. Affected: yes. Study: The Canadian Open Genetics Repository (COGR). Not counted in ClinVar's aggregate classification.
Comment: The HOXA2 p.Gln335Gln variant was not identified in the literature but was identified in dbSNP (ID: rs779536985) and ClinVar (classified as uncertain significance by Illumina for Microtia, Hearing Impairment, and Cleft Palate). The variant was identified in control databases in 36 of 282892 chromosomes at a frequency of 0.0001273 (Genome Aggregation Database March 6, 2019, v2.1.1). The variant was observed in the following populations: Other in 2 of 7228 chromosomes (freq: 0.000277), European (non-Finnish) in 32 of 129192 chromosomes (freq: 0.000248) and Latino in 2 of 35440 chromosomes (freq: 0.000056), but was not observed in the African, Ashkenazi Jewish, East Asian, European (Finnish), or South Asian populations. The p.Gln335Gln variant is not expected to have clinical significance because it does not result in a change of amino acid and is not located in a known consensus splice site. However, 3 of 4 in silico or computational prediction software programs (SpliceSiteFinder, MaxEntScan, NNSPLICE, GeneSplicer) predict a greater than 10% difference in splicing. However, this has not been confirmed by RNA analysis and is not predictive enough to assume pathogenicity. In summary, based on the above information the clinical significance of this variant cannot be determined with certainty at this time. This variant is classified as a variant of uncertain significance.